The following is an entry in ClinVar:

ClinVar aggregate classification (germline): Benign. Review status: reviewed by expert panel (3 of 4 stars). 2 submissions from 2 submitters: Benign (1). 1 of the submissions does not count toward it. Last evaluated 2025-08-01.

Conditions:
RPGR-related retinopathy. Also called: RPGR retinopathy. Identifiers: MedGen CN305589, MONDO:0100437.

Allele frequency attached by ClinVar (database versions not stated): gnomAD 0.03108 and 0.03007; TOPMed 0.03493; 1000 Genomes Project 30x 0.04037; 1000 Genomes Project 0.04106.
gnomAD v4.1: 3,351 of 112,306 alleles (3%); highest among the groups gnomAD compares: African/African-American, 8.2%; 74 homozygotes.

Submissions (2):

ClinGen X-linked Inherited Retinal Disease Variant Curation Expert Panel, ClinGen
Classification: Benign for RPGR-related retinopathy. Last evaluated: 2025-08-01. Review status: reviewed by expert panel. Criteria: ClinGen X LinkedIRD ACMG Specifications RPGR V1.0.0. Collection method: curation. Allele origin: germline. Inheritance: X-linked inheritance.
Comment: NM_001034853.2(RPGR):c.1060-203G>A is an intron 9 variant located 203 nucleotides from the boundary with exon 10. This variant is present in gnomAD v4.1.0 at a frequency of 0.02736 among hemizygous individuals, with 994 variant alleles / 34,508 total hemizygous alleles, which is higher than the ClinGen X-linked IRD VCEP BA1 threshold of >0.00005 (BA1). The splicing impact predictor SpliceAI gives a delta score of 0.00, which is below the ClinGen X-linked IRD VCEP recommended threshold of <0.1 and does not strongly predict an impact on splicing (BP4, BP7). In summary, this variant is classified as benign for RPGR-related retinopathy based on the ClinGen X-linked Inherited Retinal Disease Expert Panel Specifications to the ACMG/AMP Variant Interpretation Guidelines for RPGR Version 1.0.0; BA1, BP4, and BP7. (date of approval 05/16/2025).

GeneDx
Classification: Benign. Last evaluated: 2018-07-14. Review status: criteria provided, single submitter. Criteria: GeneDx Variant Classification Process June 2021. Collection method: clinical testing. Allele origin: germline. Affected: yes. Not counted in ClinVar's aggregate classification.

NM_001034853.2(RPGR):c.1060-203G>A

Gene: RPGR (retinitis pigmentosa GTPase regulator; minus strand). Cytogenetic location: Xp11.4.
Variant type: single nucleotide variant.
Coding change: c.1060-203G>A on transcript NM_001034853.2 (MANE Select); 203 bases into the intron before coding-DNA position 1060, G replaced by A.
Molecular consequence: intron variant.
Genome position (GRCh38, 1-based): chrX:38,299,344, C>T on the plus strand (G>A on the coding strand, the complement: RPGR is on the minus strand). VCF-style: chrX-38299344-C-T. GRCh37 (hg19) VCF-style: chrX-38158597-C-T.
Other names: c.1057-203G>A (NM_001367249.1, NM_001367250.1, NM_001367245.1); c.1060-1892G>A (NM_001367251.1, NM_001367246.1); c.1060-203G>A (NM_001367247.1, NM_000328.3); c.1090-203G>A (NM_001367248.1).
Identifiers: ClinVar variation 1290321 (VCV001290321.3), dbSNP rs114972812, ClinGen allele CA327925272.
Genomic context (GRCh38, chrX:38,299,344, plus strand): 5'-TGTGTGTGCACAATGAGAATGTGTACACAATATGTATACAATAGGTACACAATTACCATA[C>T]ATATTCTTTAAACATTGTGATTGAAAATTAGAACAAGTTTAATCCACCATTTTACTTTCA-3'